The following is an entry in ClinVar:

NM_000465.4(BARD1):c.269C>G (p.Ala90Gly)

Gene: BARD1 (BRCA1 associated RING domain 1; minus strand). Cytogenetic location: 2q35.
Variant type: single nucleotide variant.
Coding change: c.269C>G on transcript NM_000465.4 (MANE Select); coding-DNA position 269, C replaced by G.
Protein change: p.Ala90Gly; replaces alanine 90 with glycine.
Molecular consequence: missense variant. On other transcripts: non-coding transcript variant (1), intron variant (2).
Genome position (GRCh38, 1-based): chr2:214,792,392, G>C on the plus strand (C>G on the coding strand, the complement: BARD1 is on the minus strand). VCF-style: chr2-214792392-G-C. GRCh37 (hg19) VCF-style: chr2-215657116-G-C.
Other names: c.212C>G, p.Ala71Gly (NM_001282543.2); c.269C>G, p.Ala90Gly (NM_001282549.2); c.158+17020C>G (NM_001282548.2); c.215+4669C>G (NM_001282545.2); short protein forms A71G, A90G.
Identifiers: ClinVar variation 821686 (VCV000821686.4), dbSNP rs1574839783, ClinGen allele CA350461133.
Genomic context (GRCh38, chr2:214,792,392, plus strand): 5'-TTACTACAAAGTTGAATCATGCTGTCCAGTTGTCTATTTATCTTCAAGTCTTGTATCCAG[G>C]CCGGGGTGTAACACACTGGACATCCAGTTCCAATGCAGTCACTTACACAATTACTTTAAA-3'
Protein context (NP_000456.2, residues 80-100): GTGCPVCYTP[Ala90Gly]WIQDLKINRQ

ClinVar aggregate classification (germline): Uncertain significance (1 of 4 stars; one submission).

Conditions:
Hereditary cancer-predisposing syndrome. Also called: Tumor predisposition; Hereditary Cancer Syndrome; Neoplastic Syndromes, Hereditary; Hereditary neoplastic syndrome. Identifiers: Orphanet 140162, MedGen C0027672, MeSH D009386, MONDO:0015356.

Submission:

Ambry Genetics
Classification: Uncertain significance for Hereditary cancer-predisposing syndrome. Last evaluated: 2019-06-18. Review status: criteria provided, single submitter. Criteria: Ambry Variant Classification Scheme 2023. Collection method: clinical testing. Allele origin: germline.
Comment: The p.A90G variant (also known as c.269C>G), located in coding exon 3 of the BARD1 gene, results from a C to G substitution at nucleotide position 269. The alanine at codon 90 is replaced by glycine, an amino acid with similar properties. This amino acid position is highly conserved in available vertebrate species. In addition, the in silico prediction for this alteration is inconclusive. Since supporting evidence is limited at this time, the clinical significance of this alteration remains unclear.